The following is an entry in ClinVar:

NM_001256864.2(DNAJC6):c.661T>C (p.Cys221Arg)

Gene: DNAJC6 (DnaJ heat shock protein family (Hsp40) member C6; plus strand). Cytogenetic location: 1p31.3.
Variant type: single nucleotide variant.
Coding change: c.661T>C on transcript NM_001256864.2 (MANE Select); coding-DNA position 661, T replaced by C.
Protein change: p.Cys221Arg; replaces cysteine 221 with arginine.
Molecular consequence: missense variant.
Genome position (GRCh38, 1-based): chr1:65,379,519, T>C. VCF-style: chr1-65379519-T-C. GRCh37 (hg19) VCF-style: chr1-65845202-T-C.
Other names: c.451T>C, p.Cys151Arg (NM_001256865.2); c.490T>C, p.Cys164Arg (NM_014787.4); short protein forms C151R, C164R, C221R.
Identifiers: ClinVar variation 4527393 (VCV004527393.1).
Genomic context (GRCh38, chr1:65,379,519, plus strand): 5'-GTGTGTCGGAATATGTATAACTGGCTACTGCAGAATCCCAAAAATGTCTGTGTTGTCCAC[T>C]GCTTGGTGAGTAACCTTTTGTTGTTGGTGGTGATGGTTTGGTTTGGTCAAATATGGATGA-3'
Protein context (NP_001243793.1, residues 211-231): QNPKNVCVVH[Cys221Arg]LDGRAASSIL

ClinVar aggregate classification (germline): Uncertain significance (1 of 4 stars; one submission).

gnomAD v4.1: 5 of 1,614,060 alleles (0.00031%); highest among the groups gnomAD compares: Non-Finnish European, 0.00034%; no homozygotes.

Submission:

GeneDx
Classification: Uncertain significance. Last evaluated: 2025-04-29. Review status: criteria provided, single submitter. Criteria: GeneDx Variant Classification Process June 2021. Collection method: clinical testing. Allele origin: germline. Affected: yes.
Comment: Not observed at significant frequency in large population cohorts (gnomAD); In silico analysis supports that this missense variant has a deleterious effect on protein structure/function; Has not been previously published as pathogenic or benign to our knowledge